The following is an entry in ClinVar:

NM_020347.4(LZTFL1):c.882-10A>G

Gene: LZTFL1 (leucine zipper transcription factor like 1; minus strand). Cytogenetic location: 3p21.31.
Variant type: single nucleotide variant.
Coding change: c.882-10A>G on transcript NM_020347.4 (MANE Select); 10 bases into the intron before coding-DNA position 882, A replaced by G.
Molecular consequence: intron variant.
Genome position (GRCh38, 1-based): chr3:45,826,342, T>C on the plus strand (A>G on the coding strand, the complement: LZTFL1 is on the minus strand). VCF-style: chr3-45826342-T-C. GRCh37 (hg19) VCF-style: chr3-45867834-T-C.
Other names: c.882-10A>G (NM_020347.3); c.766-10A>G (NM_001276379.2); c.831-10A>G (NM_001276378.2, NM_001386451.1); c.778-10A>G (NM_001386452.1).
Identifiers: ClinVar variation 1552143 (VCV001552143.9), dbSNP rs774387691, ClinGen allele CA542700705.

ClinVar aggregate classification (germline): Likely benign. Review status: criteria provided, single submitter (1 of 4 stars). 2 submissions from 2 submitters: Likely benign (1). 1 of the submissions does not count toward it. Last evaluated 2022-06-20.

Conditions:
LZTFL1-related disorder. Also called: LZTFL1-related condition.

Allele frequency attached by ClinVar (database versions not stated): gnomAD 0.00001; TOPMed 0.00002.
gnomAD v4.1: 2 of 1,609,200 alleles (0.00012%); highest among the groups gnomAD compares: Non-Finnish European, 0.00017%; no homozygotes.

Submissions (2):

Labcorp Genetics (formerly Invitae), Labcorp
Classification: Likely benign. Last evaluated: 2022-06-20. Review status: criteria provided, single submitter. Criteria: Invitae Variant Classification Sherloc (09022015). Collection method: clinical testing. Allele origin: germline.

PreventionGenetics, part of Exact Sciences
Classification: Likely benign for LZTFL1-related condition. Last evaluated: 2024-09-04. Review status: no assertion criteria provided. Collection method: clinical testing. Allele origin: germline. Not counted in ClinVar's aggregate classification.
Comment: This variant is classified as likely benign based on ACMG/AMP sequence variant interpretation guidelines (Richards et al. 2015 PMID: 25741868, with internal and published modifications).